The following is an entry in ClinVar:

NM_001849.4(COL6A2):c.2043C>G (p.Ile681Met)

Gene: COL6A2 (collagen type VI alpha 2 chain; plus strand). Cytogenetic location: 21q22.3.
Variant type: single nucleotide variant.
Coding change: c.2043C>G on transcript NM_001849.4 (MANE Select); coding-DNA position 2043, C replaced by G.
Protein change: p.Ile681Met; replaces isoleucine 681 with methionine.
Molecular consequence: missense variant.
Genome position (GRCh38, 1-based): chr21:46,125,858, C>G. VCF-style: chr21-46125858-C-G. GRCh37 (hg19) VCF-style: chr21-47545772-C-G.
Other names: c.2043C>G, p.Ile681Met (NM_058174.3, NM_058175.3); short protein forms I681M.
Identifiers: ClinVar variation 3688559 (VCV003688559.2).

ClinVar aggregate classification (germline): Uncertain significance (1 of 4 stars; one submission).

Conditions:
Bethlem myopathy 1A. Also called: MYOPATHY, BENIGN CONGENITAL, WITH CONTRACTURES; Bethlem myopathy 1; Bethlem Muscular Dystrophy. Identifiers: Orphanet 610, MedGen CN029274, MONDO:0024530, OMIM 158810.

gnomAD v4.1: 1 of 1,612,958 alleles (0.000062%); highest among the groups gnomAD compares: Non-Finnish European, 0.000085%; no homozygotes.

Submission:

Labcorp Genetics (formerly Invitae), Labcorp
Classification: Uncertain significance for Bethlem myopathy 1A. Last evaluated: 2024-03-21. Review status: criteria provided, single submitter. Criteria: Invitae Variant Classification Sherloc (09022015). Collection method: clinical testing. Allele origin: germline.
Comment: This sequence change replaces isoleucine, which is neutral and non-polar, with methionine, which is neutral and non-polar, at codon 681 of the COL6A2 protein (p.Ile681Met). This variant is present in population databases (rs373514837, gnomAD 0.0009%). This variant has not been reported in the literature in individuals affected with COL6A2-related conditions. Advanced modeling of protein sequence and biophysical properties (such as structural, functional, and spatial information, amino acid conservation, physicochemical variation, residue mobility, and thermodynamic stability) performed at Invitae indicates that this missense variant is expected to disrupt COL6A2 protein function with a positive predictive value of 80%. In summary, the available evidence is currently insufficient to determine the role of this variant in disease. Therefore, it has been classified as a Variant of Uncertain Significance.